The following is an entry in ClinVar:

ClinVar aggregate classification (germline): Uncertain significance (1 of 4 stars; one submission).

Allele frequency attached by ClinVar (database versions not stated): gnomAD exomes below 0.00001; gnomAD 0.00002; TOPMed 0.00003.

Submission:

Labcorp Genetics (formerly Invitae), Labcorp
Classification: Uncertain significance. Last evaluated: 2022-06-01. Review status: criteria provided, single submitter. Criteria: Invitae Variant Classification Sherloc (09022015). Collection method: clinical testing. Allele origin: germline.
Comment: Algorithms developed to predict the effect of missense changes on protein structure and function are either unavailable or do not agree on the potential impact of this missense change (SIFT: "Deleterious"; PolyPhen-2: "Not Available"; Align-GVGD: "Class C65"). This variant has not been reported in the literature in individuals affected with CDH23-related conditions. This variant is present in population databases (no rsID available, gnomAD 0.01%). This sequence change replaces proline, which is neutral and non-polar, with leucine, which is neutral and non-polar, at codon 2295 of the CDH23 protein (p.Pro2295Leu). In summary, the available evidence is currently insufficient to determine the role of this variant in disease. Therefore, it has been classified as a Variant of Uncertain Significance.

NM_022124.6(CDH23):c.6884C>T (p.Pro2295Leu)

Gene: CDH23 (cadherin related 23; plus strand). Cytogenetic location: 10q22.1.
Variant type: single nucleotide variant.
Coding change: c.6884C>T on transcript NM_022124.6 (MANE Select); coding-DNA position 6884, C replaced by T.
Protein change: p.Pro2295Leu; replaces proline 2295 with leucine.
Molecular consequence: missense variant.
Genome position (GRCh38, 1-based): chr10:71,798,408, C>T. VCF-style: chr10-71798408-C-T. GRCh37 (hg19) VCF-style: chr10-73558165-C-T.
Other names: c.164C>T, p.Pro55Leu (NM_001171933.1, NM_001171934.1); short protein forms P55L, P2295L.
Identifiers: ClinVar variation 1959249 (VCV001959249.3), dbSNP rs976438166, ClinGen allele CA209469580.